The following is an entry in ClinVar:

NM_004958.4(MTOR):c.1938G>C (p.Gln646His)

Gene: MTOR (mechanistic target of rapamycin kinase; minus strand). Cytogenetic location: 1p36.22.
Variant type: single nucleotide variant.
Coding change: c.1938G>C on transcript NM_004958.4 (MANE Select); coding-DNA position 1938, G replaced by C.
Protein change: p.Gln646His; replaces glutamine 646 with histidine.
Molecular consequence: missense variant.
Genome position (GRCh38, 1-based): chr1:11,238,466, C>G on the plus strand (G>C on the coding strand, the complement: MTOR is on the minus strand). VCF-style: chr1-11238466-C-G. GRCh37 (hg19) VCF-style: chr1-11298523-C-G.
Other names: c.1938G>C, p.Gln646His (NM_001386500.1); c.690G>C, p.Gln230His (NM_001386501.1); short protein forms Q230H, Q646H.
Identifiers: ClinVar variation 2051683 (VCV002051683.4), dbSNP rs2100900996, ClinGen allele CA338389148.
Genomic context (GRCh38, chr1:11,238,466, plus strand): 5'-ATCTGTTATCCCAACTACGAGCAGTTTGCTAAGCACATCTGCCACCACTTGCACTGCGGT[C>G]TGGCTAACCACATGAGCATGGCCACTGATGAGGTGGATGGAGGGTGTGAGCAGGCGGGAG-3'
Protein context (NP_004949.1, residues 636-656): LISGHAHVVS[Gln646His]TAVQVVADVL

ClinVar aggregate classification (germline): Uncertain significance (1 of 4 stars; one submission).

Submission:

Labcorp Genetics (formerly Invitae), Labcorp
Classification: Uncertain significance. Last evaluated: 2022-06-24. Review status: criteria provided, single submitter. Criteria: Invitae Variant Classification Sherloc (09022015). Collection method: clinical testing. Allele origin: germline.
Comment: In summary, the available evidence is currently insufficient to determine the role of this variant in disease. Therefore, it has been classified as a Variant of Uncertain Significance. Advanced modeling of protein sequence and biophysical properties (such as structural, functional, and spatial information, amino acid conservation, physicochemical variation, residue mobility, and thermodynamic stability) performed at Invitae indicates that this missense variant is not expected to disrupt MTOR protein function. This variant has not been reported in the literature in individuals affected with MTOR-related conditions. This variant is not present in population databases (gnomAD no frequency). This sequence change replaces glutamine, which is neutral and polar, with histidine, which is basic and polar, at codon 646 of the MTOR protein (p.Gln646His).